The following is an entry in ClinVar:

ClinVar aggregate classification (germline): Likely pathogenic. Review status: criteria provided, single submitter (1 of 4 stars). 2 submissions from 2 submitters: Likely pathogenic (1). 1 of the submissions does not count toward it. Last evaluated 2023-10-07.

Conditions:
Tyrosinemia type I (TYRSN1). Also called: HEPATORENAL TYROSINEMIA; Tyrosinemia type 1; Fumarylacetoacetase deficiency; Deficiency of fumarylacetoacetase; FAH DEFICIENCY. Identifiers: Orphanet 882, MedGen C0268490, MONDO:0010161, OMIM 276700. Disease mechanism: loss of function.

Submissions (2):

Labcorp Genetics (formerly Invitae), Labcorp
Classification: Likely pathogenic for Tyrosinemia type I. Last evaluated: 2023-10-07. Review status: criteria provided, single submitter. Criteria: Invitae Variant Classification Sherloc (09022015). Collection method: clinical testing. Allele origin: germline.
Comment: This sequence change affects an acceptor splice site in intron 5 of the FAH gene. It is expected to disrupt RNA splicing. Variants that disrupt the donor or acceptor splice site typically lead to a loss of protein function (PMID: 16199547), and loss-of-function variants in FAH are known to be pathogenic (PMID: 9101289, 9633815). This variant is not present in population databases (gnomAD no frequency). This variant has not been reported in the literature in individuals affected with FAH-related conditions. ClinVar contains an entry for this variant (Variation ID: 551054). Algorithms developed to predict the effect of sequence changes on RNA splicing suggest that this variant may disrupt the consensus splice site. In summary, the currently available evidence indicates that the variant is pathogenic, but additional data are needed to prove that conclusively. Therefore, this variant has been classified as Likely Pathogenic.

Counsyl
Classification: Likely pathogenic for Tyrosinemia type I. Last evaluated: 2017-03-08. Review status: no assertion criteria provided. Collection method: clinical testing. Allele origin: unknown. Not counted in ClinVar's aggregate classification.

Literature cited by the submitters: PubMed 16199547 (cited by Labcorp Genetics (formerly Invitae), Labcorp); PubMed 9101289 (cited by Labcorp Genetics (formerly Invitae), Labcorp); PubMed 9633815 (cited by Labcorp Genetics (formerly Invitae), Labcorp).

NM_000137.4(FAH):c.456-2A>G

Gene: FAH (fumarylacetoacetate hydrolase; plus strand). Cytogenetic location: 15q25.1.
Variant type: single nucleotide variant.
Coding change: c.456-2A>G on transcript NM_000137.4 (MANE Select); the canonical splice acceptor site of the intron before coding-DNA position 456, A replaced by G.
Molecular consequence: splice acceptor variant.
Genome position (GRCh38, 1-based): chr15:80,168,050, A>G. VCF-style: chr15-80168050-A-G. GRCh37 (hg19) VCF-style: chr15-80460392-A-G.
Other names: c.456-2A>G (NM_001374377.1, NM_001374380.1).
Identifiers: ClinVar variation 551054 (VCV000551054.6), dbSNP rs1555441251, ClinGen allele CA393619756.